The following is an entry in ClinVar:

NM_000138.5(FBN1):c.5567T>A (p.Ile1856Asn)

Gene: FBN1 (fibrillin 1; minus strand). Cytogenetic location: 15q21.1.
Variant type: single nucleotide variant.
Coding change: c.5567T>A on transcript NM_000138.5 (MANE Select); coding-DNA position 5567, T replaced by A.
Protein change: p.Ile1856Asn; replaces isoleucine 1856 with asparagine.
Molecular consequence: missense variant.
Genome position (GRCh38, 1-based): chr15:48,448,872, A>T on the plus strand (T>A on the coding strand, the complement: FBN1 is on the minus strand). VCF-style: chr15-48448872-A-T. GRCh37 (hg19) VCF-style: chr15-48741069-A-T.
Other names: c.5567T>A, p.Ile1856Asn (NM_001406716.1); short protein forms I1856N.
Identifiers: ClinVar variation 4538771 (VCV004538771.1).

ClinVar aggregate classification (germline): Uncertain significance (1 of 4 stars; one submission).

gnomAD v4.1: 4 of 1,612,176 alleles (0.00025%); highest among the groups gnomAD compares: African/African-American, 0.004%; no homozygotes.

Submission:

GeneDx
Classification: Uncertain significance. Last evaluated: 2025-06-20. Review status: criteria provided, single submitter. Criteria: GeneDx Variant Classification Process June 2021. Collection method: clinical testing. Allele origin: germline. Affected: yes.
Comment: Not observed at significant frequency in large population cohorts (gnomAD); In silico analysis supports that this missense variant has a deleterious effect on protein structure/function; Has not been previously published as pathogenic or benign to our knowledge; Does not affect a cysteine or calcium-binding residue within an EGF-like domain or a TGF-binding protein domain of the FBN1 gene; cysteine substitutions in the EGF-like domains represent the majority of pathogenic missense changes associated with FBN1-related disorders (PMID: 12938084); This variant is associated with the following publications: (PMID: 12938084)